The following is an entry in ClinVar:

ClinVar aggregate classification (germline): Uncertain significance. Review status: criteria provided, single submitter (1 of 4 stars). 2 submissions from 2 submitters: Uncertain significance (1). 1 of the submissions does not count toward it. Last evaluated 2025-03-07.

Conditions:
Ataxia-telangiectasia syndrome (AT). Also called: Ataxia-telangiectasia; ATAXIA-TELANGIECTASIA, FRESNO VARIANT; Ataxia-telangiectasia, complementation group E; ATAXIA-TELANGIECTASIA, COMPLEMENTATION GROUP A; Ataxia telangiectasia (A-T); Cerebello-oculocutaneous telangiectasia. Identifiers: Orphanet 100, MedGen C0004135, MONDO:0008840, OMIM 208900.
Hereditary cancer-predisposing syndrome. Also called: Hereditary Cancer Syndrome; Hereditary neoplastic syndrome; Tumor predisposition; Neoplastic Syndromes, Hereditary. Identifiers: Orphanet 140162, MedGen C0027672, MeSH D009386, MONDO:0015356.

Submissions (2):

Ambry Genetics
Classification: Uncertain significance for Hereditary cancer-predisposing syndrome. Last evaluated: 2025-03-07. Review status: criteria provided, single submitter. Criteria: Ambry Variant Classification Scheme 2023. Collection method: clinical testing. Allele origin: germline.
Comment: The p.V1292I variant (also known as c.3874G>A), located in coding exon 25 of the ATM gene, results from a G to A substitution at nucleotide position 3874. The valine at codon 1292 is replaced by isoleucine, an amino acid with highly similar properties. This amino acid position is conserved. In addition, the in silico prediction for this alteration is inconclusive. Based on the available evidence, the clinical significance of this variant remains unclear.

Natera, Inc.
Classification: Uncertain significance for Ataxia-telangiectasia. Last evaluated: 2025-02-18. Review status: no assertion criteria provided. Collection method: clinical testing. Allele origin: germline. Not counted in ClinVar's aggregate classification.

NM_000051.4(ATM):c.3874G>A (p.Val1292Ile)

Gene: ATM (ATM serine/threonine kinase; plus strand). Cytogenetic location: 11q22.3.
Variant type: single nucleotide variant.
Coding change: c.3874G>A on transcript NM_000051.4 (MANE Select); coding-DNA position 3874, G replaced by A.
Protein change: p.Val1292Ile; replaces valine 1292 with isoleucine.
Molecular consequence: missense variant.
Genome position (GRCh38, 1-based): chr11:108,284,354, G>A. VCF-style: chr11-108284354-G-A. GRCh37 (hg19) VCF-style: chr11-108155081-G-A.
Other names: c.3874G>A, p.Val1292Ile (NM_001351834.2); short protein forms V1292I.
Identifiers: ClinVar variation 3803156 (VCV003803156.2).
Genomic context (GRCh38, chr11:108,284,354, plus strand): 5'-GCTAATCAGATTCAAGAGGACTGGAAAAGTCTTCTAACAGACTGCTTTCCAAAGATTCTT[G>A]TAAATATTCTTCCTTATTTTGCCTATGAGGGTACCAGAGACAGTGGGATGGCACAGCAAA-3'
Protein context (NP_000042.3, residues 1282-1302): LLTDCFPKIL[Val1292Ile]NILPYFAYEG